The following is an entry in ClinVar:

NM_000124.4(ERCC6):c.3721G>A (p.Glu1241Lys)

Gene: ERCC6 (ERCC excision repair 6, chromatin remodeling factor; minus strand). Cytogenetic location: 10q11.23.
Variant type: single nucleotide variant.
Coding change: c.3721G>A on transcript NM_000124.4 (MANE Select); coding-DNA position 3721, G replaced by A.
Protein change: p.Glu1241Lys; replaces glutamic acid 1241 with lysine.
Molecular consequence: missense variant.
Genome position (GRCh38, 1-based): chr10:49,470,239, C>T on the plus strand (G>A on the coding strand, the complement: ERCC6 is on the minus strand). VCF-style: chr10-49470239-C-T. GRCh37 (hg19) VCF-style: chr10-50678285-C-T.
Other names: c.3721G>A, p.Glu1241Lys (NM_001346440.2); short protein forms E1241K.
Identifiers: ClinVar variation 1977999 (VCV001977999.5), dbSNP rs761827662, ClinGen allele CA5495290.

ClinVar aggregate classification (germline): Uncertain significance (1 of 4 stars; one submission).

Allele frequency attached by ClinVar (database versions not stated): ExAC 0.00001; gnomAD exomes 0.00001.
gnomAD v4.1: 5 of 1,614,182 alleles (0.00031%); highest among the groups gnomAD compares: South Asian, 0.0055%; no homozygotes.

Submission:

Labcorp Genetics (formerly Invitae), Labcorp
Classification: Uncertain significance. Last evaluated: 2022-09-28. Review status: criteria provided, single submitter. Criteria: Invitae Variant Classification Sherloc (09022015). Collection method: clinical testing. Allele origin: germline.
Comment: In summary, the available evidence is currently insufficient to determine the role of this variant in disease. Therefore, it has been classified as a Variant of Uncertain Significance. Algorithms developed to predict the effect of sequence changes on RNA splicing suggest that this variant may create or strengthen a splice site. Algorithms developed to predict the effect of missense changes on protein structure and function output the following: SIFT: "Tolerated"; PolyPhen-2: "Benign"; Align-GVGD: "Class C0". The lysine amino acid residue is found in multiple mammalian species, which suggests that this missense change does not adversely affect protein function. This variant has not been reported in the literature in individuals affected with ERCC6-related conditions. This variant is present in population databases (rs761827662, gnomAD 0.01%). This sequence change replaces glutamic acid, which is acidic and polar, with lysine, which is basic and polar, at codon 1241 of the ERCC6 protein (p.Glu1241Lys).